The following is an entry in ClinVar:

ClinVar aggregate classification (germline): Uncertain significance (1 of 4 stars; one submission).

Allele frequency attached by ClinVar (database versions not stated): TOPMed 0.00001; ExAC 0.00002; gnomAD exomes 0.00003; gnomAD 0.00005; ESP Exome Variant Server 0.00008.
gnomAD v4.1: 28 of 1,601,488 alleles (0.0017%); highest among the groups gnomAD compares: Non-Finnish European, 0.0014%; no homozygotes.

Submission:

Labcorp Genetics (formerly Invitae), Labcorp
Classification: Uncertain significance. Last evaluated: 2025-03-31. Review status: criteria provided, single submitter. Criteria: Invitae Variant Classification Sherloc (09022015). Collection method: clinical testing. Allele origin: germline.
Comment: This sequence change replaces aspartic acid, which is acidic and polar, with glutamic acid, which is acidic and polar, at codon 203 of the CTSB protein (p.Asp203Glu). This variant is present in population databases (rs139775721, gnomAD 0.03%). This variant has not been reported in the literature in individuals affected with CTSB-related conditions. ClinVar contains an entry for this variant (Variation ID: 1394845). An algorithm developed to predict the effect of missense changes on protein structure and function outputs the following: PolyPhen-2: "Benign". The glutamic acid amino acid residue is found in multiple mammalian species, which suggests that this missense change does not adversely affect protein function. In summary, the available evidence is currently insufficient to determine the role of this variant in disease. Therefore, it has been classified as a Variant of Uncertain Significance.

NM_001908.5(CTSB):c.609T>G (p.Asp203Glu)

Gene: CTSB (cathepsin B). Cytogenetic location: 8p23.1.
Variant type: single nucleotide variant.
Coding change: c.609T>G on transcript NM_001908.5 (MANE Select); coding-DNA position 609, T replaced by G.
Protein change: p.Asp203Glu; replaces aspartic acid 203 with glutamic acid.
Molecular consequence: missense variant.
Genome position (GRCh38, 1-based): chr8:11,847,746, A>C on the plus strand (T>G on the coding strand, the complement: CTSB is on the minus strand). VCF-style: chr8-11847746-A-C. GRCh37 (hg19) VCF-style: chr8-11705255-A-C.
Other names: c.237T>G, p.Asp79Glu (NM_001317237.2); c.609T>G, p.Asp203Glu (NM_001384714.1, NM_001384723.1, NM_001384724.1 and 8 more transcripts); short protein forms D203E, D79E.
Identifiers: ClinVar variation 1394845 (VCV001394845.9), dbSNP rs139775721, ClinGen allele CA4632685.
Genomic context (GRCh38, chr8:11,847,746, plus strand): 5'-CTTGTCCTGTTTGTAGGTCGGGCTGTAGCCAGGCTCACAGATCTTGCTACACTTGGGGGT[A>C]TCTCCCTCCCCCGTGCATGGGGGCCGGGAGCCGTTGACGTGGTGCTCACAGGGAGGGATG-3'
Protein context (NP_001899.1, residues 193-213): GSRPPCTGEG[Asp203Glu]TPKCSKICEP